The following is an entry in ClinVar:

ClinVar aggregate classification (germline): Uncertain significance. Review status: criteria provided, multiple submitters, no conflicts (2 of 4 stars). 2 submissions from 2 submitters: Uncertain significance (2). Last evaluated 2025-06-10.

Conditions:
Dilated cardiomyopathy 1JJ (CMD1JJ). Identifiers: Orphanet 154, MedGen C3808935, MONDO:0014095, OMIM 615235.
Cardiovascular phenotype. Identifiers: MedGen CN230736.

gnomAD v4.1: 1 of 1,614,000 alleles (0.000062%); highest among the groups gnomAD compares: Admixed American, 0.0017%; no homozygotes.

Submissions (2):

Ambry Genetics
Classification: Uncertain significance for Cardiovascular phenotype. Last evaluated: 2025-06-10. Review status: criteria provided, single submitter. Criteria: Ambry Variant Classification Scheme 2023. Collection method: clinical testing. Allele origin: germline.
Comment: The p.R799P variant (also known as c.2396G>C), located in coding exon 18 of the LAMA4 gene, results from a G to C substitution at nucleotide position 2396. The arginine at codon 799 is replaced by proline, an amino acid with dissimilar properties. This amino acid position is conserved. In addition, this alteration is predicted to be tolerated by in silico analysis. Based on the available evidence, the clinical significance of this variant remains unclear.

Labcorp Genetics (formerly Invitae), Labcorp
Classification: Uncertain significance for Dilated cardiomyopathy 1JJ. Last evaluated: 2025-03-09. Review status: criteria provided, single submitter. Criteria: Invitae Variant Classification Sherloc (09022015). Collection method: clinical testing. Allele origin: germline.
Comment: This sequence change replaces arginine, which is basic and polar, with proline, which is neutral and non-polar, at codon 799 of the LAMA4 protein (p.Arg799Pro). This variant is present in population databases (no rsID available, gnomAD no frequency). This variant has not been reported in the literature in individuals affected with LAMA4-related conditions. Invitae Evidence Modeling of protein sequence and biophysical properties (such as structural, functional, and spatial information, amino acid conservation, physicochemical variation, residue mobility, and thermodynamic stability) indicates that this missense variant is not expected to disrupt LAMA4 protein function with a negative predictive value of 80%. In summary, the available evidence is currently insufficient to determine the role of this variant in disease. Therefore, it has been classified as a Variant of Uncertain Significance.

NM_001105206.3(LAMA4):c.2417G>C (p.Arg806Pro)

Gene: LAMA4 (laminin subunit alpha 4; minus strand). Cytogenetic location: 6q21.
Variant type: single nucleotide variant.
Coding change: c.2417G>C on transcript NM_001105206.3 (MANE Select); coding-DNA position 2417, G replaced by C.
Protein change: p.Arg806Pro; replaces arginine 806 with proline.
Molecular consequence: missense variant.
Genome position (GRCh38, 1-based): chr6:112,144,870, C>G on the plus strand (G>C on the coding strand, the complement: LAMA4 is on the minus strand). VCF-style: chr6-112144870-C-G. GRCh37 (hg19) VCF-style: chr6-112466072-C-G.
Other names: c.2396G>C, p.Arg799Pro (NM_001105207.3, NM_002290.5); short protein forms R799P, R806P.
Identifiers: ClinVar variation 3625938 (VCV003625938.3).